The following is an entry in ClinVar:

NM_005666.4(CFHR2):c.79A>G (p.Lys27Glu)

Gene: CFHR2 (complement factor H related 2; plus strand). Cytogenetic location: 1q31.3.
Variant type: single nucleotide variant.
Coding change: c.79A>G on transcript NM_005666.4 (MANE Select); coding-DNA position 79, A replaced by G.
Protein change: p.Lys27Glu; replaces lysine 27 with glutamic acid.
Molecular consequence: missense variant. On other transcripts: intron variant (2).
Genome position (GRCh38, 1-based): chr1:196,949,475, A>G. VCF-style: chr1-196949475-A-G. GRCh37 (hg19) VCF-style: chr1-196918605-A-G.
Other names: p.Lys27Glu; c.58+5537A>G (NM_001312672.1); c.59-1377A>G (NM_001410924.1); short protein forms K27E.
Identifiers: ClinVar variation 2637659 (VCV002637659.5), dbSNP rs148175483, ClinGen allele CA1307310.

ClinVar aggregate classification (germline): Conflicting classifications of pathogenicity. Review status: criteria provided, conflicting classifications (1 of 4 stars). 3 submissions from 3 submitters: Uncertain significance (2); Likely benign (1). Last evaluated 2025-11-18.

Allele frequency attached by ClinVar (database versions not stated): ExAC 0.00026; TOPMed 0.00097; gnomAD exomes 0.00008; gnomAD 0.00094; ESP Exome Variant Server 0.00054.
gnomAD v4.1: 256 of 1,613,268 alleles (0.016%); highest among the groups gnomAD compares: African/African-American, 0.29%; 1 homozygote.

Submissions (3):

Mayo Clinic Laboratories, Mayo Clinic
Classification: Uncertain significance. Last evaluated: 2025-11-18. Review status: criteria provided, single submitter. Criteria: ACMG Guidelines, 2015. Collection method: clinical testing. Allele origin: germline. Observed: 6 variant alleles.
Comment: BP1, BP4, PP3

Women's Health and Genetics/Laboratory Corporation of America, LabCorp
Classification: Likely benign. Last evaluated: 2023-10-10. Review status: criteria provided, single submitter. Criteria: LabCorp Variant Classification Summary - May 2015. Collection method: clinical testing. Allele origin: germline.
Comment: Variant summary: CFHR2 c.79A>G (p.Lys27Glu) results in a conservative amino acid change located in the Sushi/SCR/CCP domain (IPR000436) of the encoded protein sequence. Five of five in-silico tools predict a benign effect of the variant on protein function. The variant allele was found at a frequency of 0.0002 in 250268 control chromosomes, predominantly at a frequency of 0.0023 within the African or African-American subpopulation in the gnomAD database. The observed variant frequency within African or African-American control individuals in the gnomAD database is approximately 15 fold of the estimated maximal expected allele frequency for a pathogenic variant in CFHR2 causing Genetic Atypical Hemolytic Uremic Syndrome phenotype (0.00016), strongly suggesting that the variant is a benign polymorphism found primarily in populations of African or African-American origin. To our knowledge, no occurrence of c.79A>G in individuals affected with Genetic Atypical Hemolytic Uremic Syndrome and no experimental evidence demonstrating its impact on protein function have been reported. No submitters have cited clinical-significance assessments for this variant to ClinVar after 2014. Based on the evidence outlined above, the variant was classified as likely benign.

Revvity Omics, Revvity
Classification: Uncertain significance. Last evaluated: 2021-12-02. Review status: criteria provided, single submitter. Criteria: ACMG Guidelines, 2015. Collection method: clinical testing. Allele origin: germline.

Literature cited by the submitters: PubMed 32256442 (cited by Mayo Clinic Laboratories, Mayo Clinic).